The following is an entry in ClinVar:

ClinVar aggregate classification (germline): Benign. Review status: criteria provided, multiple submitters, no conflicts (2 of 4 stars). 3 submissions from 3 submitters: Benign (3). Last evaluated 2026-08-01.

Allele frequency attached by ClinVar (database versions not stated): 1000 Genomes Project 30x 0.00281; 1000 Genomes Project 0.00319; TOPMed 0.00355; gnomAD exomes 0.00446 and 0.00468; gnomAD 0.00460 and 0.00476; ExAC 0.00476.
gnomAD v4.1: 6,852 of 1,541,628 alleles (0.44%); highest among the groups gnomAD compares: Non-Finnish European, 0.45%; 35 homozygotes.

Submissions (3):

CeGaT Center for Human Genetics Tuebingen
Classification: Benign. Last evaluated: 2026-08-01. Review status: criteria provided, single submitter. Criteria: CeGaT Center For Human Genetics Tuebingen Variant Classification Criteria Version 2. Collection method: clinical testing. Allele origin: germline. Affected: yes. Observed: 19 variant alleles.
Comment: SUZ12: BS1, BS2

Labcorp Genetics (formerly Invitae), Labcorp
Classification: Benign. Last evaluated: 2019-12-31. Review status: criteria provided, single submitter. Criteria: Invitae Variant Classification Sherloc (09022015). Collection method: clinical testing. Allele origin: germline.

Breakthrough Genomics
Classification: Benign. Review status: criteria provided, single submitter. Criteria: ACMG Guidelines, 2015. Collection method: not provided. Allele origin: germline. Inheritance: Autosomal dominant inheritance. Affected: yes.

NM_015355.4(SUZ12):c.211G>A (p.Val71Met)

Gene: SUZ12 (SUZ12 polycomb repressive complex 2 subunit; plus strand). Cytogenetic location: 17q11.2.
Variant type: single nucleotide variant.
Coding change: c.211G>A on transcript NM_015355.4 (MANE Select); coding-DNA position 211, G replaced by A.
Protein change: p.Val71Met; replaces valine 71 with methionine.
Molecular consequence: missense variant.
Genome position (GRCh38, 1-based): chr17:31,937,457, G>A. VCF-style: chr17-31937457-G-A. GRCh37 (hg19) VCF-style: chr17-30264476-G-A.
Other names: c.211G>A, p.Val71Met (NM_001321207.2); short protein forms V71M.
Identifiers: ClinVar variation 781857 (VCV000781857.34), dbSNP rs149833913, ClinGen allele CA8489466.